The following is an entry in ClinVar:

ClinVar aggregate classification (germline): Uncertain significance (1 of 4 stars; one submission).

Conditions:
TRIM32-related disorder. Also called: TRIM32-related condition.

Submission:

PreventionGenetics, part of Exact Sciences
Classification: Uncertain significance for TRIM32-related condition. Last evaluated: 2024-10-24. Review status: criteria provided, single submitter. Criteria: ACMG Guidelines, 2015. Collection method: clinical testing. Allele origin: germline.
Comment: The TRIM32 c.173G>T variant is predicted to result in the amino acid substitution p.Gly58Val. To our knowledge, this variant has not been reported in the literature or in a large population database (gnomAD), indicating this variant is rare. At this time, the clinical significance of this variant is uncertain due to the absence of conclusive functional and genetic evidence.

NM_012210.4(TRIM32):c.173G>T (p.Gly58Val)

Genes: ASTN2 (astrotactin 2; minus strand), TRIM32 (tripartite motif containing 32; plus strand). Cytogenetic location: 9q33.1.
Variant type: single nucleotide variant.
Coding change: c.173G>T on transcript NM_012210.4 (MANE Select); coding-DNA position 173, G replaced by T.
Protein change: p.Gly58Val; replaces glycine 58 with valine.
Molecular consequence: missense variant. On other transcripts: intron variant (3).
Genome position (GRCh38, 1-based): chr9:116,697,915, G>T. VCF-style: chr9-116697915-G-T. GRCh37 (hg19) VCF-style: chr9-119460194-G-T.
Other names: c.173G>T, p.Gly58Val (NM_001099679.2, NM_001379048.1, NM_001379049.1 and 1 more transcripts); c.2653+27856C>A (NM_014010.5); c.2794+27856C>A (NM_001365069.1); c.2806+27856C>A (NM_001365068.1); short protein forms G58V.
Identifiers: ClinVar variation 5001695 (VCV005001695.1).
Genomic context (GRCh38, chr9:116,697,915, plus strand): 5'-ACTGTGGCCATACCATCTGCCGCCAGTGCCTGGAGAAGCTATTGGCCAGTAGCATCAATG[G>T]TGTCCGCTGTCCCTTTTGCAGCAAGATTACCCGCATAACCAGCTTGACCCAGCTGACAGA-3'
Protein context (NP_036342.2, residues 48-68): LEKLLASSIN[Gly58Val]VRCPFCSKIT